The following is an entry in ClinVar:

NM_001387430.1(SH2B1):c.289C>G (p.Pro97Ala)

Gene: SH2B1 (SH2B adaptor protein 1; plus strand). Cytogenetic location: 16p11.2.
Variant type: single nucleotide variant.
Coding change: c.289C>G on transcript NM_001387430.1 (MANE Select); coding-DNA position 289, C replaced by G.
Protein change: p.Pro97Ala; replaces proline 97 with alanine.
Molecular consequence: missense variant. On other transcripts: intron variant (1).
Genome position (GRCh38, 1-based): chr16:28,866,383, C>G. VCF-style: chr16-28866383-C-G. GRCh37 (hg19) VCF-style: chr16-28877704-C-G.
Other names: c.289C>G, p.Pro97Ala (NM_001145795.2, NM_001145796.2, NM_001145797.2 and 4 more transcripts); c.-26-991C>G (NM_001308294.2); short protein forms P97A.
Identifiers: ClinVar variation 3346649 (VCV003346649.1).

ClinVar aggregate classification (germline): Uncertain significance (0 of 4 stars; one submission).

Conditions:
SH2B1-related disorder. Also called: SH2B1-related condition.

gnomAD v4.1: 1 of 1,613,686 alleles (0.000062%); highest among the groups gnomAD compares: Non-Finnish European, 0.000085%; no homozygotes.

Submission:

PreventionGenetics, part of Exact Sciences
Classification: Uncertain significance for SH2B1-related condition. Last evaluated: 2024-07-18. Review status: no assertion criteria provided. Collection method: clinical testing. Allele origin: germline.
Comment: The SH2B1 c.289C>G variant is predicted to result in the amino acid substitution p.Pro97Ala. To our knowledge, this variant has not been reported in the literature or in a large population database, indicating this variant is rare. At this time, the clinical significance of this variant is uncertain due to the absence of conclusive functional and genetic evidence.